The following is an entry in ClinVar:

NM_007194.4(CHEK2):c.259G>T (p.Glu87Ter)

Gene: CHEK2 (checkpoint kinase 2; minus strand). Cytogenetic location: 22q12.1.
Variant type: single nucleotide variant.
Coding change: c.259G>T on transcript NM_007194.4 (MANE Select); coding-DNA position 259, G replaced by T.
Protein change: p.Glu87Ter; replaces glutamic acid 87 with a stop codon.
Molecular consequence: nonsense. On other transcripts: 5 prime UTR variant (1), intron variant (1).
Genome position (GRCh38, 1-based): chr22:28,734,463, C>A on the plus strand (G>T on the coding strand, the complement: CHEK2 is on the minus strand). VCF-style: chr22-28734463-C-A. GRCh37 (hg19) VCF-style: chr22-29130451-C-A.
Other names: c.259G>T, p.Glu87Ter (NM_001005735.3, NM_001349956.3, NM_001438293.1 and 3 more transcripts); c.-519G>T (NM_001257387.3); c.-345+7306G>T (NM_001437942.1); short protein forms E87*.
Identifiers: ClinVar variation 5042414 (VCV005042414.1).

ClinVar aggregate classification (germline): Pathogenic (1 of 4 stars; one submission).

Conditions:
Familial cancer of breast. Also called: BREAST CANCER, FAMILIAL; Hereditary breast cancer; hereditary breast carcinoma. Identifiers: Orphanet 227535, MedGen C0346153, MONDO:0016419, OMIM 114480. Disease mechanism: loss of function.

Submission:

Myriad Genetics, Inc.
Classification: Pathogenic for Familial cancer of breast. Last evaluated: 2026-07-27. Review status: criteria provided, single submitter. Criteria: Myriad Autosomal Dominant, Autosomal Recessive and X-Linked Classification Criteria (2023). Collection method: clinical testing. Allele origin: unknown.
Comment: This variant is considered pathogenic. This variant creates a termination codon and is predicted to result in premature protein truncation.